The following is an entry in ClinVar:

ClinVar aggregate classification (germline): Benign/Likely benign. Review status: criteria provided, multiple submitters, no conflicts (2 of 4 stars). 6 submissions from 6 submitters: Benign (1); Likely benign (5). Last evaluated 2025-12-24.

Conditions:
Pheochromocytoma/paraganglioma syndrome 4. Also called: PARAGANGLIOMA, FAMILIAL MALIGNANT; PARAGANGLIOMAS, HEREDITARY EXTRAADRENAL; PHEOCHROMOCYTOMA, FAMILIAL EXTRAADRENAL; Paragangliomas 4; CAROTID BODY TUMORS AND MULTIPLE EXTRAADRENAL PHEOCHROMOCYTOMAS; SDHB-Related Hereditary Paraganglioma-Pheochromocytoma Syndrome (Paragangliomas 4). Identifiers: Orphanet 29072, MedGen C1861848, MONDO:0007273, OMIM 115310.
Gastrointestinal stromal tumor. Also called: Gastrointestinal stromal tumor, somatic; Gastrointestinal stroma tumor. Identifiers: Orphanet 44890, MedGen C0238198, MeSH D046152, MONDO:0011719, OMIM 606764, HP:0100723.
Pheochromocytoma. Also called: MAX-Related Hereditary Paraganglioma-Pheochromocytoma Syndrome. Identifiers: Orphanet 29072, MedGen C0031511, MONDO:0008233, OMIM 171300, HP:0002666.
Hereditary cancer-predisposing syndrome. Also called: Tumor predisposition; Hereditary Cancer Syndrome; Neoplastic Syndromes, Hereditary; Hereditary neoplastic syndrome. Identifiers: Orphanet 140162, MedGen C0027672, MeSH D009386, MONDO:0015356.
Hereditary pheochromocytoma and paraganglioma. Also called: Hereditary Paraganglioma-Pheochromocytoma Syndromes; Hereditary paragangliomas and pheochromocytomas; Hereditary pheochromocytoma-paraganglioma. Identifiers: Orphanet 29072, MedGen C4274332, MONDO:0017366.

Allele frequency attached by ClinVar (database versions not stated): gnomAD exomes 0.00002; ExAC 0.00003; TOPMed 0.00003; gnomAD 0.00005 and 0.00007.
gnomAD v4.1: 38 of 1,613,968 alleles (0.0024%); highest among the groups gnomAD compares: African/African-American, 0.013%; no homozygotes.

Submissions (6):

Labcorp Genetics (formerly Invitae), Labcorp
Classification: Likely benign for Gastrointestinal stromal tumor; Pheochromocytoma/paraganglioma syndrome 4; Pheochromocytoma. Last evaluated: 2025-12-24. Review status: criteria provided, single submitter. Criteria: Invitae Variant Classification Sherloc (09022015). Collection method: clinical testing. Allele origin: germline.

Myriad Genetics, Inc.
Classification: Benign for Pheochromocytoma/paraganglioma syndrome 4. Last evaluated: 2025-03-13. Review status: criteria provided, single submitter. Criteria: Myriad Autosomal Dominant, Autosomal Recessive and X-Linked Classification Criteria (2023). Collection method: clinical testing. Allele origin: unknown.
Comment: This variant is considered benign. This variant is a silent/synonymous amino acid change and it is not expected to impact splicing.

CeGaT Center for Human Genetics Tuebingen
Classification: Likely benign. Last evaluated: 2023-04-01. Review status: criteria provided, single submitter. Criteria: CeGaT Center For Human Genetics Tuebingen Variant Classification Criteria Version 2. Collection method: clinical testing. Allele origin: germline. Affected: yes. Observed: 1 variant allele.
Comment: SDHB: BP4, BP7

Color Diagnostics, LLC DBA Color Health
Classification: Likely benign for Hereditary pheochromocytoma and paraganglioma. Last evaluated: 2022-11-06. Review status: criteria provided, single submitter. Criteria: ACMG Guidelines, 2015. Collection method: clinical testing. Allele origin: germline.

GeneDx
Classification: Likely benign. Last evaluated: 2019-01-09. Review status: criteria provided, single submitter. Criteria: GeneDx Variant Classification Process June 2021. Collection method: clinical testing. Allele origin: germline. Affected: yes.

Ambry Genetics
Classification: Likely benign for Hereditary cancer-predisposing syndrome. Last evaluated: 2015-05-23. Review status: criteria provided, single submitter. Criteria: Ambry Variant Classification Scheme 2023. Collection method: clinical testing. Allele origin: germline.

NM_003000.3(SDHB):c.606C>T (p.Asn202=)

Gene: SDHB (succinate dehydrogenase complex iron sulfur subunit B; minus strand). Cytogenetic location: 1p36.13.
Variant type: single nucleotide variant.
Coding change: c.606C>T on transcript NM_003000.3 (MANE Select); coding-DNA position 606, C replaced by T.
Protein change: p.Asn202=; no amino-acid change (asparagine 202 retained).
Molecular consequence: synonymous variant.
Genome position (GRCh38, 1-based): chr1:17,024,009, G>A on the plus strand (C>T on the coding strand, the complement: SDHB is on the minus strand). VCF-style: chr1-17024009-G-A. GRCh37 (hg19) VCF-style: chr1-17350504-G-A.
Identifiers: ClinVar variation 239434 (VCV000239434.43), dbSNP rs199653121, ClinGen allele CA089677.